The following is an entry in ClinVar:

NM_001242896.3(DEPDC5):c.4559T>A (p.Phe1520Tyr)

Gene: DEPDC5 (DEP domain containing 5, GATOR1 subcomplex subunit; plus strand). Cytogenetic location: 22q12.3.
Variant type: single nucleotide variant.
Coding change: c.4559T>A on transcript NM_001242896.3 (MANE Select); coding-DNA position 4559, T replaced by A.
Protein change: p.Phe1520Tyr; replaces phenylalanine 1520 with tyrosine.
Molecular consequence: missense variant. On other transcripts: non-coding transcript variant (5).
Genome position (GRCh38, 1-based): chr22:31,906,244, T>A. VCF-style: chr22-31906244-T-A. GRCh37 (hg19) VCF-style: chr22-32302230-T-A.
Other names: c.4532T>A, p.Phe1511Tyr (NM_001136029.4); c.4259T>A, p.Phe1420Tyr (NM_001242897.2); c.4493T>A, p.Phe1498Tyr (NM_001363852.2, NM_001364320.2); c.4325T>A, p.Phe1442Tyr (NM_001363854.2, NM_001364319.2); c.4559T>A, p.Phe1520Tyr (NM_001364318.2); c.4475T>A, p.Phe1492Tyr (NM_001369901.1, NM_001369902.1); c.4466T>A, p.Phe1489Tyr (NM_001369903.1, NM_014662.6); short protein forms F1520Y, F1420Y, F1498Y, F1511Y, F1489Y, F1442Y, F1492Y.
Identifiers: ClinVar variation 939204 (VCV000939204.9), dbSNP rs2093756441, ClinGen allele CA411292328.

ClinVar aggregate classification (germline): Uncertain significance (1 of 4 stars; one submission).

Conditions:
Familial focal epilepsy with variable foci (FPEVF). Identifiers: Orphanet 98820, MedGen C1858477, MONDO:0020310.

Submission:

Labcorp Genetics (formerly Invitae), Labcorp
Classification: Uncertain significance for Familial focal epilepsy with variable foci. Last evaluated: 2019-11-11. Review status: criteria provided, single submitter. Criteria: Invitae Variant Classification Sherloc (09022015). Collection method: clinical testing. Allele origin: germline.
Comment: In summary, the available evidence is currently insufficient to determine the role of this variant in disease. Therefore, it has been classified as a Variant of Uncertain Significance. Algorithms developed to predict the effect of missense changes on protein structure and function are either unavailable or do not agree on the potential impact of this missense change (SIFT: "Tolerated"; PolyPhen-2: "Not Available"; Align-GVGD: "Class C0"). This variant has not been reported in the literature in individuals with DEPDC5-related conditions. This variant is not present in population databases (ExAC no frequency). This sequence change replaces phenylalanine with tyrosine at codon 1520 of the DEPDC5 protein (p.Phe1520Tyr). The phenylalanine residue is moderately conserved and there is a small physicochemical difference between phenylalanine and tyrosine.